The following is an entry in ClinVar:

NM_001256071.3(RNF213):c.5513C>T (p.Ser1838Phe)

Gene: RNF213 (ring finger protein 213; plus strand). Cytogenetic location: 17q25.3.
Variant type: single nucleotide variant.
Coding change: c.5513C>T on transcript NM_001256071.3 (MANE Select); coding-DNA position 5513, C replaced by T.
Protein change: p.Ser1838Phe; replaces serine 1838 with phenylalanine.
Molecular consequence: missense variant.
Genome position (GRCh38, 1-based): chr17:80,339,880, C>T. VCF-style: chr17-80339880-C-T. GRCh37 (hg19) VCF-style: chr17-78313680-C-T.
Other names: c.5660C>T, p.Ser1887Phe (NM_001410195.1, NM_020914.5); short protein forms S1838F, S1887F.
Identifiers: ClinVar variation 2784930 (VCV002784930.3), dbSNP rs1429157350, ClinGen allele CA401389219.

ClinVar aggregate classification (germline): Uncertain significance (1 of 4 stars; one submission).

Allele frequency attached by ClinVar (database versions not stated): TOPMed below 0.00001; gnomAD exomes 0.00002.
gnomAD v4.1: 27 of 1,537,052 alleles (0.0018%); highest among the groups gnomAD compares: Non-Finnish European, 0.0024%; no homozygotes.

Submission:

Labcorp Genetics (formerly Invitae), Labcorp
Classification: Uncertain significance. Last evaluated: 2025-02-17. Review status: criteria provided, single submitter. Criteria: Invitae Variant Classification Sherloc (09022015). Collection method: clinical testing. Allele origin: germline.
Comment: This sequence change replaces serine, which is neutral and polar, with phenylalanine, which is neutral and non-polar, at codon 1838 of the RNF213 protein (p.Ser1838Phe). This variant is present in population databases (no rsID available, gnomAD 0.002%). This variant has not been reported in the literature in individuals affected with RNF213-related conditions. ClinVar contains an entry for this variant (Variation ID: 2784930). Invitae Evidence Modeling of protein sequence and biophysical properties (such as structural, functional, and spatial information, amino acid conservation, physicochemical variation, residue mobility, and thermodynamic stability) indicates that this missense variant is not expected to disrupt RNF213 protein function with a negative predictive value of 95%. In summary, the available evidence is currently insufficient to determine the role of this variant in disease. Therefore, it has been classified as a Variant of Uncertain Significance.